The following is an entry in ClinVar:

ClinVar aggregate classification (germline): Uncertain significance. Review status: criteria provided, multiple submitters, no conflicts (2 of 4 stars). 2 submissions from 2 submitters: Uncertain significance (2). Last evaluated 2024-09-04.

Conditions:
Inborn genetic diseases. Identifiers: MedGen C0950123, MeSH D030342.

Allele frequency attached by ClinVar (database versions not stated): gnomAD exomes below 0.00001; gnomAD 0.00006.
gnomAD v4.1: 12 of 1,588,734 alleles (0.00076%); highest among the groups gnomAD compares: African/African-American, 0.015%; no homozygotes.

Submissions (2):

Ambry Genetics
Classification: Uncertain significance for Inborn genetic diseases. Last evaluated: 2024-09-04. Review status: criteria provided, single submitter. Criteria: Ambry Variant Classification Scheme 2023. Collection method: clinical testing. Allele origin: germline.

Labcorp Genetics (formerly Invitae), Labcorp
Classification: Uncertain significance. Last evaluated: 2024-01-08. Review status: criteria provided, single submitter. Criteria: Invitae Variant Classification Sherloc (09022015). Collection method: clinical testing. Allele origin: germline.
Comment: This sequence change replaces proline, which is neutral and non-polar, with alanine, which is neutral and non-polar, at codon 1803 of the CAD protein (p.Pro1803Ala). This variant is present in population databases (no rsID available, gnomAD 0.02%). This variant has not been reported in the literature in individuals affected with CAD-related conditions. ClinVar contains an entry for this variant (Variation ID: 1524401). An algorithm developed to predict the effect of missense changes on protein structure and function (PolyPhen-2) suggests that this variant¬†is likely to be tolerated. In summary, the available evidence is currently insufficient to determine the role of this variant in disease. Therefore, it has been classified as a Variant of Uncertain Significance.

NM_004341.5(CAD):c.5407C>G (p.Pro1803Ala)

Gene: CAD (carbamoyl-phosphate synthetase 2, aspartate transcarbamylase, and dihydroorotase; plus strand). Cytogenetic location: 2p23.3.
Variant type: single nucleotide variant.
Coding change: c.5407C>G on transcript NM_004341.5 (MANE Select); coding-DNA position 5407, C replaced by G.
Protein change: p.Pro1803Ala; replaces proline 1803 with alanine.
Molecular consequence: missense variant.
Genome position (GRCh38, 1-based): chr2:27,239,709, C>G. VCF-style: chr2-27239709-C-G. GRCh37 (hg19) VCF-style: chr2-27462577-C-G.
Other names: c.5218C>G, p.Pro1740Ala (NM_001306079.2); c.5407C>G (NM_004341.3); short protein forms P1803A, P1740A.
Identifiers: ClinVar variation 1524401 (VCV001524401.5), dbSNP rs908238733, ClinGen allele CA44516312.